The following is an entry in ClinVar:

NM_173728.4(ARHGEF15):c.2143C>T (p.His715Tyr)

Gene: ARHGEF15 (Rho guanine nucleotide exchange factor 15; plus strand). Cytogenetic location: 17p13.1.
Variant type: single nucleotide variant.
Coding change: c.2143C>T on transcript NM_173728.4 (MANE Select); coding-DNA position 2143, C replaced by T.
Protein change: p.His715Tyr; replaces histidine 715 with tyrosine.
Molecular consequence: missense variant.
Genome position (GRCh38, 1-based): chr17:8,319,116, C>T. VCF-style: chr17-8319116-C-T. GRCh37 (hg19) VCF-style: chr17-8222434-C-T.
Other names: c.2143C>T, p.His715Tyr (NM_025014.2); short protein forms H715Y.
Identifiers: ClinVar variation 1410484 (VCV001410484.9), dbSNP rs767354061, ClinGen allele CA8375428.

ClinVar aggregate classification (germline): Uncertain significance (1 of 4 stars; one submission).

Conditions:
Early-infantile DEE. Also called: Early infantile epileptic encephalopathy; Ohtahara syndrome; Early infantile epileptic encephalopathy with suppression bursts. Identifiers: Orphanet 1934, MedGen C0393706, MONDO:0800491.

Allele frequency attached by ClinVar (database versions not stated): gnomAD exomes 0.00001; TOPMed 0.00001; ExAC 0.00002.

Submission:

Labcorp Genetics (formerly Invitae), Labcorp
Classification: Uncertain significance for Early-infantile DEE. Last evaluated: 2021-06-24. Review status: criteria provided, single submitter. Criteria: Invitae Variant Classification Sherloc (09022015). Collection method: clinical testing. Allele origin: germline.
Comment: This variant is present in population databases (rs767354061, ExAC 0.003%). This variant has not been reported in the literature in individuals with ARHGEF15-related conditions. Algorithms developed to predict the effect of missense changes on protein structure and function (SIFT, PolyPhen-2, Align-GVGD) all suggest that this variant is likely to be disruptive, but these predictions have not been confirmed by published functional studies and their clinical significance is uncertain. In summary, the available evidence is currently insufficient to determine the role of this variant in disease. Therefore, it has been classified as a Variant of Uncertain Significance. This sequence change replaces histidine with tyrosine at codon 715 of the ARHGEF15 protein (p.His715Tyr). The histidine residue is highly conserved and there is a moderate physicochemical difference between histidine and tyrosine.